The following is an entry in ClinVar:

NM_001134888.3(RTL1):c.3340C>T (p.Arg1114Trp)

Gene: RTL1 (retrotransposon Gag like 1; minus strand). Cytogenetic location: 14q32.2.
Variant type: single nucleotide variant.
Coding change: c.3340C>T on transcript NM_001134888.3 (MANE Select); coding-DNA position 3340, C replaced by T.
Protein change: p.Arg1114Trp; replaces arginine 1114 with tryptophan.
Molecular consequence: missense variant.
Genome position (GRCh38, 1-based): chr14:100,881,449, G>A on the plus strand (C>T on the coding strand, the complement: RTL1 is on the minus strand). VCF-style: chr14-100881449-G-A. GRCh37 (hg19) VCF-style: chr14-101347786-G-A.
Other names: short protein forms R1114W.
Identifiers: ClinVar variation 786425 (VCV000786425.28), dbSNP rs143429892, ClinGen allele CA7347112.

ClinVar aggregate classification (germline): Likely benign. Review status: criteria provided, multiple submitters, no conflicts (2 of 4 stars). 3 submissions from 3 submitters: Likely benign (3). Last evaluated 2026-07-01.

Allele frequency attached by ClinVar (database versions not stated): 1000 Genomes Project 30x 0.00312; 1000 Genomes Project 0.00300.
gnomAD v4.1: 11,491 of 1,550,622 alleles (0.74%); highest among the groups gnomAD compares: Non-Finnish European, 0.88%; 48 homozygotes.

Submissions (3):

CeGaT Center for Human Genetics Tuebingen
Classification: Likely benign. Last evaluated: 2026-07-01. Review status: criteria provided, single submitter. Criteria: CeGaT Center For Human Genetics Tuebingen Variant Classification Criteria Version 2. Collection method: clinical testing. Allele origin: germline. Affected: yes. Observed: 4 variant alleles.
Comment: RTL1: BP4, BS2

Labcorp Genetics (formerly Invitae), Labcorp
Classification: Likely benign. Last evaluated: 2019-12-31. Review status: criteria provided, single submitter. Criteria: Invitae Variant Classification Sherloc (09022015). Collection method: clinical testing. Allele origin: germline.

Breakthrough Genomics
Classification: Likely benign. Review status: criteria provided, single submitter. Criteria: ACMG Guidelines, 2015. Collection method: not provided. Allele origin: germline. Inheritance: Unknown mechanism. Affected: yes.